The following is an entry in ClinVar:

ClinVar aggregate classification (germline): Uncertain significance. Review status: criteria provided, multiple submitters, no conflicts (2 of 4 stars). 2 submissions from 2 submitters: Uncertain significance (2). Last evaluated 2023-01-31.

Conditions:
Alstrom syndrome (ALMS). Identifiers: Orphanet 64, MedGen C0268425, MONDO:0008763, OMIM 203800.

Allele frequency attached by ClinVar (database versions not stated): gnomAD exomes 0.00001.
gnomAD v4.1: 6 of 1,613,832 alleles (0.00037%); highest among the groups gnomAD compares: Middle Eastern, 0.017%; no homozygotes.

Submissions (2):

GeneDx
Classification: Uncertain significance. Last evaluated: 2023-01-31. Review status: criteria provided, single submitter. Criteria: GeneDx Variant Classification Process June 2021. Collection method: clinical testing. Allele origin: germline. Affected: yes.
Comment: Not observed at significant frequency in large population cohorts (gnomAD); In silico analysis supports that this missense variant does not alter protein structure/function; Has not been previously published as pathogenic or benign to our knowledge

Labcorp Genetics (formerly Invitae), Labcorp
Classification: Uncertain significance for Alstrom syndrome. Last evaluated: 2022-06-27. Review status: criteria provided, single submitter. Criteria: Invitae Variant Classification Sherloc (09022015). Collection method: clinical testing. Allele origin: germline.
Comment: This sequence change replaces lysine, which is basic and polar, with threonine, which is neutral and polar, at codon 1640 of the ALMS1 protein (p.Lys1640Thr). This variant is not present in population databases (gnomAD no frequency). This variant has not been reported in the literature in individuals affected with ALMS1-related conditions. Experimental studies and prediction algorithms are not available or were not evaluated, and the functional significance of this variant is currently unknown. In summary, the available evidence is currently insufficient to determine the role of this variant in disease. Therefore, it has been classified as a Variant of Uncertain Significance.

NM_001378454.1(ALMS1):c.4916A>C (p.Lys1639Thr)

Gene: ALMS1 (ALMS1 centrosome and basal body associated protein; plus strand). Cytogenetic location: 2p13.1.
Variant type: single nucleotide variant.
Coding change: c.4916A>C on transcript NM_001378454.1 (MANE Select); coding-DNA position 4916, A replaced by C.
Protein change: p.Lys1639Thr; replaces lysine 1639 with threonine.
Molecular consequence: missense variant.
Genome position (GRCh38, 1-based): chr2:73,451,443, A>C. VCF-style: chr2-73451443-A-C. GRCh37 (hg19) VCF-style: chr2-73678570-A-C.
Other names: c.4919A>C, p.Lys1640Thr (NM_015120.4); short protein forms K1639T, K1640T.
Identifiers: ClinVar variation 2139920 (VCV002139920.2), dbSNP rs1187577872, ClinGen allele CA347279529.